The following is an entry in ClinVar:

ClinVar aggregate classification (germline): Benign/Likely benign. Review status: criteria provided, multiple submitters, no conflicts (2 of 4 stars). 3 submissions from 3 submitters: Benign (1); Likely benign (1). 1 of the submissions does not count toward it. Last evaluated 2025-12-29.

Conditions:
Vici syndrome (VICIS). Identifiers: Orphanet 1493, MedGen C1855772, MONDO:0009452, OMIM 242840.
EPG5-related disorder. Also called: EPG5-related condition. Identifiers: MedGen CN381528.

Allele frequency attached by ClinVar (database versions not stated): gnomAD 0.00011 and 0.00017; gnomAD exomes 0.00017 and 0.00037; TOPMed 0.00021; ExAC 0.00045; 1000 Genomes Project 30x 0.00156; 1000 Genomes Project 0.00180.

Submissions (3):

Labcorp Genetics (formerly Invitae), Labcorp
Classification: Benign for Vici syndrome. Last evaluated: 2025-12-29. Review status: criteria provided, single submitter. Criteria: Invitae Variant Classification Sherloc (09022015). Collection method: clinical testing. Allele origin: germline.

Blueprint Genetics
Classification: Likely benign. Last evaluated: 2024-11-26. Review status: criteria provided, single submitter. Criteria: ACMG Guidelines, 2015. Collection method: clinical testing. Allele origin: germline.

PreventionGenetics, part of Exact Sciences
Classification: Likely benign for EPG5-related condition. Last evaluated: 2024-02-20. Review status: no assertion criteria provided. Collection method: clinical testing. Allele origin: germline. Not counted in ClinVar's aggregate classification.
Comment: This variant is classified as likely benign based on ACMG/AMP sequence variant interpretation guidelines (Richards et al. 2015 PMID: 25741868, with internal and published modifications).

NM_020964.3(EPG5):c.1009-10_1009-9dup

Gene: EPG5 (ectopic P-granules 5 autophagy tethering factor; minus strand). Cytogenetic location: 18q21.1.
Variant type: Duplication.
Coding change: c.1009-10_1009-9dup on transcript NM_020964.3 (MANE Select); 10 bases into the intron before coding-DNA position 1009 through 9 bases into the intron before coding-DNA position 1009, 2 bases duplicated (CC; older notation c.1009-10_1009-9dupCC).
Molecular consequence: intron variant.
Genome position (GRCh38, 1-based): chr18:45,952,652-45,952,653, GG duplicated on the plus strand (CC on the coding strand, the reverse complement: EPG5 is on the minus strand). VCF-style (leftmost placement, unchanged base first): chr18-45952651-A-AGG. GRCh37 (hg19) VCF-style: chr18-43532617-A-AGG.
Other names: c.1009-10_1009-9dupCC (NM_020964.2); c.1009-10_1009-9dup (LRG_1234t1).
Identifiers: ClinVar variation 466234 (VCV000466234.16), dbSNP rs148293118, ClinGen allele CA8949834.